The following is an entry in ClinVar:

NM_000057.4(BLM):c.2823+2T>A

Gene: BLM (BLM RecQ like helicase; plus strand). Cytogenetic location: 15q26.1.
Variant type: single nucleotide variant.
Coding change: c.2823+2T>A on transcript NM_000057.4 (MANE Select); the canonical splice donor site of the intron after coding-DNA position 2823, T replaced by A.
Molecular consequence: splice donor variant.
Genome position (GRCh38, 1-based): chr15:90,785,083, T>A. VCF-style: chr15-90785083-T-A. GRCh37 (hg19) VCF-style: chr15-91328313-T-A.
Other names: c.2823+2T>A (NM_001287246.2, NM_001287247.2); c.1698+2T>A (NM_001287248.2).
Identifiers: ClinVar variation 1510894 (VCV001510894.13), dbSNP rs1896712920, ClinGen allele CA393846208.

ClinVar aggregate classification (germline): Likely pathogenic. Review status: criteria provided, multiple submitters, no conflicts (2 of 4 stars). 3 submissions from 3 submitters: Likely pathogenic (3). Last evaluated 2023-11-07.

Conditions:
Bloom syndrome (BLM). Also called: Bloom-Torre-Machacek syndrome. Identifiers: Orphanet 125, MedGen C0005859, MONDO:0008876, OMIM 210900.

Allele frequency attached by ClinVar (database versions not stated): TOPMed below 0.00001; gnomAD 0.00001.
gnomAD v4.1: 1 of 1,613,750 alleles (0.000062%); highest among the groups gnomAD compares: African/African-American, 0.0013%; no homozygotes.

Submissions (3):

Baylor Genetics
Classification: Likely pathogenic for Bloom syndrome. Last evaluated: 2023-11-07. Review status: criteria provided, single submitter. Criteria: ACMG Guidelines, 2015. Collection method: clinical testing. Allele origin: unknown.

Fulgent Genetics
Classification: Likely pathogenic for Bloom syndrome. Last evaluated: 2021-08-27. Review status: criteria provided, single submitter. Criteria: ACMG Guidelines, 2015. Collection method: clinical testing. Allele origin: unknown.

Labcorp Genetics (formerly Invitae), Labcorp
Classification: Likely pathogenic for Bloom syndrome. Last evaluated: 2021-03-21. Review status: criteria provided, single submitter. Criteria: Invitae Variant Classification Sherloc (09022015). Collection method: clinical testing. Allele origin: germline.
Comment: In summary, the currently available evidence indicates that the variant is pathogenic, but additional data are needed to prove that conclusively. Therefore, this variant has been classified as Likely Pathogenic. Algorithms developed to predict the effect of sequence changes on RNA splicing suggest that this variant may disrupt the consensus splice site, but this prediction has not been confirmed by published transcriptional studies. This variant has not been reported in the literature in individuals with BLM-related conditions. This variant is not present in population databases (ExAC no frequency). This sequence change affects a donor splice site in intron 14 of the BLM gene. It is expected to disrupt RNA splicing. Variants that disrupt the donor or acceptor splice site typically lead to a loss of protein function (PMID: 16199547), and loss-of-function variants in BLM are known to be pathogenic (PMID: 17407155).

Literature cited by the submitters: PubMed 16199547 (cited by Labcorp Genetics (formerly Invitae), Labcorp); PubMed 17407155 (cited by Labcorp Genetics (formerly Invitae), Labcorp).